The following is an entry in ClinVar:

ClinVar aggregate classification (germline): Uncertain significance. Review status: criteria provided, multiple submitters, no conflicts (2 of 4 stars). 2 submissions from 2 submitters: Uncertain significance (2). Last evaluated 2022-02-15.

Conditions:
Intellectual developmental disorder, autosomal dominant 1. Also called: Intellectual disability, autosomal dominant 1; MBD5 Haploinsufficiency. Identifiers: Orphanet 228402, MedGen C1969562, MONDO:0007974, OMIM 156200.

Allele frequency attached by ClinVar (database versions not stated): gnomAD exomes below 0.00001.
gnomAD v4.1: 1 of 1,614,076 alleles (0.000062%); highest among the groups gnomAD compares: Non-Finnish European, 0.000085%; no homozygotes.

Submissions (2):

Labcorp Genetics (formerly Invitae), Labcorp
Classification: Uncertain significance for Intellectual developmental disorder, autosomal dominant 1. Last evaluated: 2022-02-15. Review status: criteria provided, single submitter. Criteria: Invitae Variant Classification Sherloc (09022015). Collection method: clinical testing. Allele origin: germline.
Comment: Algorithms developed to predict the effect of missense changes on protein structure and function are either unavailable or do not agree on the potential impact of this missense change (SIFT: "Deleterious"; PolyPhen-2: "Not Available"; Align-GVGD: "Class C65"). In summary, the available evidence is currently insufficient to determine the role of this variant in disease. Therefore, it has been classified as a Variant of Uncertain Significance. This variant has not been reported in the literature in individuals affected with MBD5-related conditions. This variant is not present in population databases (gnomAD no frequency). This sequence change replaces proline, which is neutral and non-polar, with serine, which is neutral and polar, at codon 1133 of the MBD5 protein (p.Pro1133Ser).

Institute of Human Genetics, University Hospital of Duesseldorf
Classification: Uncertain significance for Intellectual developmental disorder, autosomal dominant 1. Review status: criteria provided, single submitter. Criteria: ACMG Guidelines, 2015. Collection method: not provided. Allele origin: germline. Inheritance: Autosomal dominant inheritance. Affected: yes.

NM_001378120.1(MBD5):c.4096C>T (p.Pro1366Ser)

Gene: MBD5 (methyl-CpG binding domain protein 5; plus strand). Cytogenetic location: 2q23.1.
Variant type: single nucleotide variant.
Coding change: c.4096C>T on transcript NM_001378120.1 (MANE Select); coding-DNA position 4096, C replaced by T.
Protein change: p.Pro1366Ser; replaces proline 1366 with serine.
Molecular consequence: missense variant.
Genome position (GRCh38, 1-based): chr2:148,489,728, C>T. VCF-style: chr2-148489728-C-T. GRCh37 (hg19) VCF-style: chr2-149247297-C-T.
Other names: c.3397C>T, p.Pro1133Ser (NM_018328.5); short protein forms P1133S, P1366S.
Identifiers: ClinVar variation 2097739 (VCV002097739.4), dbSNP rs2470022675, ClinGen allele CA348728013.
Genomic context (GRCh38, chr2:148,489,728, plus strand): 5'-CAGATCAGCCCCATTCCAGCTCTGAGTGCCATGAGTGCCTTCACTGCCTCAATTGGTGAC[C>T]CATTAAATCTCTCCAGTGCTGTCAGTGCGGTCATTCATGGACGGAACATGGGAGGTGTTG-3'
Protein context (NP_001365049.1, residues 1356-1376): MSAFTASIGD[Pro1366Ser]LNLSSAVSAV